The following is an entry in ClinVar:

ClinVar aggregate classification (germline): Uncertain significance (1 of 4 stars; one submission).

Allele frequency attached by ClinVar (database versions not stated): gnomAD exomes below 0.00001.

Submission:

Labcorp Genetics (formerly Invitae), Labcorp
Classification: Uncertain significance. Last evaluated: 2025-03-17. Review status: criteria provided, single submitter. Criteria: Invitae Variant Classification Sherloc (09022015). Collection method: clinical testing. Allele origin: germline.
Comment: This sequence change replaces methionine, which is neutral and non-polar, with valine, which is neutral and non-polar, at codon 137 of the POLA1 protein (p.Met137Val). The frequency data for this variant in the population databases is considered unreliable, as metrics indicate poor data quality at this position in the gnomAD database. This variant has not been reported in the literature in individuals affected with POLA1-related conditions. ClinVar contains an entry for this variant (Variation ID: 2802041). Invitae Evidence Modeling of protein sequence and biophysical properties (such as structural, functional, and spatial information, amino acid conservation, physicochemical variation, residue mobility, and thermodynamic stability) indicates that this missense variant is expected to disrupt POLA1 protein function with a positive predictive value of 80%. In summary, the available evidence is currently insufficient to determine the role of this variant in disease. Therefore, it has been classified as a Variant of Uncertain Significance.

NM_001330360.2(POLA1):c.427A>G (p.Met143Val)

Gene: POLA1 (DNA polymerase alpha 1, catalytic subunit; plus strand). Cytogenetic location: Xp22.11.
Variant type: single nucleotide variant.
Coding change: c.427A>G on transcript NM_001330360.2 (MANE Select); coding-DNA position 427, A replaced by G.
Protein change: p.Met143Val; replaces methionine 143 with valine.
Molecular consequence: missense variant. On other transcripts: non-coding transcript variant (2).
Genome position (GRCh38, 1-based): chrX:24,714,634, A>G. VCF-style: chrX-24714634-A-G. GRCh37 (hg19) VCF-style: chrX-24732751-A-G.
Other names: c.427A>G, p.Met143Val (NM_001378303.1); c.409A>G, p.Met137Val (NM_016937.4); short protein forms M137V, M143V.
Identifiers: ClinVar variation 2802041 (VCV002802041.3), dbSNP rs1244733704, ClinGen allele CA412526959.
Genomic context (GRCh38, chrX:24,714,634, plus strand): 5'-AATAAAGACAAGAGGAATGTAAAGAAGCTCGCAGTGACAAAACCGAACAACATTAAGTCA[A>G]TGTTCATTGCTTGTGCTGGAAAGAAAACTGCAGATGTGAGTTTCATGGTTTCCTTATTTT-3'
Protein context (NP_001317289.1, residues 133-153): AVTKPNNIKS[Met143Val]FIACAGKKTA